The following is an entry in ClinVar:

NM_001367624.2(ZNF469):c.9368G>A (p.Arg3123His)

Gene: ZNF469 (zinc finger protein 469; plus strand). Cytogenetic location: 16q24.2.
Variant type: single nucleotide variant.
Coding change: c.9368G>A on transcript NM_001367624.2 (MANE Select); coding-DNA position 9368, G replaced by A.
Protein change: p.Arg3123His; replaces arginine 3123 with histidine.
Molecular consequence: missense variant.
Genome position (GRCh38, 1-based): chr16:88,436,838, G>A. VCF-style: chr16-88436838-G-A. GRCh37 (hg19) VCF-style: chr16-88503246-G-A.
Other names: NM_001127464.1:c.9284G>A; short protein forms R3123H.
Identifiers: ClinVar variation 424173 (VCV000424173.19), dbSNP rs536601676, ClinGen allele CA8225426.

ClinVar aggregate classification (germline): Conflicting classifications of pathogenicity. Review status: criteria provided, conflicting classifications (1 of 4 stars). 6 submissions from 6 submitters: Uncertain significance (2); Benign (2); Likely benign (2). Last evaluated 2026-01-22.

Conditions:
Cardiovascular phenotype. Identifiers: MedGen CN230736.
Brittle cornea syndrome 1 (BCS1). Also called: DYSGENESIS MESODERMALIS CORNEAE ET SCLERAE; CORNEAL FRAGILITY, KERATOGLOBUS, BLUE SCLERAE, JOINT HYPEREXTENSIBILITY; EDS6B; FRAGILITAS OCULI WITH JOINT HYPEREXTENSIBILITY; Corneal fragility keratoglobus, blue sclerae AND joint hypermobility. Identifiers: Orphanet 90354, MedGen C0268344, MONDO:0024543, OMIM 229200.

Allele frequency attached by ClinVar (database versions not stated): ExAC below 0.00001; TOPMed 0.00010; 1000 Genomes Project 30x 0.00016.
gnomAD v4.1: 1,041 of 1,533,972 alleles (0.068%); highest among the groups gnomAD compares: Middle Eastern, 0.017%; 9 homozygotes.

Submissions (6):

Labcorp Genetics (formerly Invitae), Labcorp
Classification: Benign. Last evaluated: 2026-01-22. Review status: criteria provided, single submitter. Criteria: Invitae Variant Classification Sherloc (09022015). Collection method: clinical testing. Allele origin: germline.

CeGaT Center for Human Genetics Tuebingen
Classification: Likely benign. Last evaluated: 2025-11-01. Review status: criteria provided, single submitter. Criteria: CeGaT Center For Human Genetics Tuebingen Variant Classification Criteria Version 2. Collection method: clinical testing. Allele origin: germline. Affected: yes. Observed: 1 variant allele.
Comment: ZNF469: BS2

Blueprint Genetics
Classification: Likely benign. Last evaluated: 2024-10-04. Review status: criteria provided, single submitter. Criteria: ACMG Guidelines, 2015. Collection method: clinical testing. Allele origin: germline.

Ambry Genetics
Classification: Benign for Cardiovascular phenotype. Last evaluated: 2021-10-14. Review status: criteria provided, single submitter. Criteria: Ambry Variant Classification Scheme 2023. Collection method: clinical testing. Allele origin: germline.

Fulgent Genetics
Classification: Uncertain significance for Brittle cornea syndrome 1. Last evaluated: 2018-10-31. Review status: criteria provided, single submitter. Criteria: ACMG Guidelines, 2015. Collection method: clinical testing. Allele origin: unknown.

GeneDx
Classification: Uncertain significance. Last evaluated: 2017-03-09. Review status: criteria provided, single submitter. Criteria: GeneDx Variant Classification (06012015). Collection method: clinical testing. Allele origin: germline. Affected: yes.
Comment: The R3095H variant in the ZNF469 gene has not been reported previously as a pathogenic variant, nor as a benign variant, to our knowledge. Adequate data is not available in large population cohorts to assess the frequency of this variant in publicly available databases; however, this variant has not been detected at a significant frequency in presumably healthy individuals tested at GeneDx (Lek et al., 2016; 1000 Genomes Consortium et al., 2015; Exome Variant Server). The R3095H variant is a conservative amino acid substitution, which occurs at a position that is not conserved. In silico analysis is inconsistent in its predictions as to whether or not the variant is damaging to the protein structure/function. We interpret R3095H as a variant of uncertain significance.